The following is an entry in ClinVar:

ClinVar aggregate classification (germline): Uncertain significance. Review status: criteria provided, multiple submitters, no conflicts (2 of 4 stars). 2 submissions from 2 submitters: Uncertain significance (2). Last evaluated 2026-01-21.

Conditions:
Inborn genetic diseases. Identifiers: MedGen C0950123, MeSH D030342.
Autosomal recessive severe congenital neutropenia due to G6PC3 deficiency. Also called: NEUTROPENIA, SEVERE CONGENITAL, 4, AUTOSOMAL RECESSIVE; G6PC3 Deficiency. Identifiers: Orphanet 331176, MedGen C2751630, MONDO:0012930, OMIM 612541.

gnomAD v4.1: 8 of 1,613,884 alleles (0.0005%); highest among the groups gnomAD compares: Admixed American, 0.013%; no homozygotes.

Submissions (2):

Labcorp Genetics (formerly Invitae), Labcorp
Classification: Uncertain significance for Autosomal recessive severe congenital neutropenia due to G6PC3 deficiency. Last evaluated: 2026-01-21. Review status: criteria provided, single submitter. Criteria: Invitae Variant Classification Sherloc (09022015). Collection method: clinical testing. Allele origin: germline.
Comment: This sequence change replaces alanine, which is neutral and non-polar, with threonine, which is neutral and polar, at codon 49 of the G6PC3 protein (p.Ala49Thr). This variant is present in population databases (no rsID available, gnomAD 0.1%). This variant has not been reported in the literature in individuals affected with G6PC3-related conditions. ClinVar contains an entry for this variant (Variation ID: 1480794). Invitae Evidence Modeling of protein sequence and biophysical properties (such as structural, functional, and spatial information, amino acid conservation, physicochemical variation, residue mobility, and thermodynamic stability) indicates that this missense variant is not expected to disrupt G6PC3 protein function with a negative predictive value of 95%. In summary, the available evidence is currently insufficient to determine the role of this variant in disease. Therefore, it has been classified as a Variant of Uncertain Significance.

Ambry Genetics
Classification: Uncertain significance for Inborn genetic diseases. Last evaluated: 2024-12-17. Review status: criteria provided, single submitter. Criteria: Ambry Variant Classification Scheme 2023. Collection method: clinical testing. Allele origin: germline.
Comment: The p.A49T variant (also known as c.145G>A), located in coding exon 1 of the G6PC3 gene, results from a G to A substitution at nucleotide position 145. The alanine at codon 49 is replaced by threonine, an amino acid with similar properties. This amino acid position is conserved. In addition, this alteration is predicted to be tolerated by in silico analysis. Based on the available evidence, the clinical significance of this variant remains unclear.

NM_138387.4(G6PC3):c.145G>A (p.Ala49Thr)

Genes: G6PC3 (glucose-6-phosphatase catalytic subunit 3; plus strand), LOC130060959 (ATAC-STARR-seq lymphoblastoid active region 12250; plus strand). Cytogenetic location: 17q21.31.
Variant type: single nucleotide variant.
Coding change: c.145G>A on transcript NM_138387.4 (MANE Select); coding-DNA position 145, G replaced by A.
Protein change: p.Ala49Thr; replaces alanine 49 with threonine.
Molecular consequence: missense variant. On other transcripts: 5 prime UTR variant (3), intron variant (1).
Genome position (GRCh38, 1-based): chr17:44,071,110, G>A. VCF-style: chr17-44071110-G-A. GRCh37 (hg19) VCF-style: chr17-42148478-G-A.
Other names: c.145G>A, p.Ala49Thr (NM_001319945.2); c.-260G>A (NM_001384165.1); c.-395G>A (NM_001384166.1); c.-385G>A (NM_001384167.1); c.-312+396G>A (NM_001384168.1); c.145G>A (NM_138387.3); short protein forms A49T.
Identifiers: ClinVar variation 1480794 (VCV001480794.7), dbSNP rs1417784733, ClinGen allele CA399746119.